The following is an entry in ClinVar:

NM_003380.5(VIM):c.646G>A (p.Ala216Thr)

Gene: VIM (vimentin; plus strand). Cytogenetic location: 10p13.
Variant type: single nucleotide variant.
Coding change: c.646G>A on transcript NM_003380.5 (MANE Select); coding-DNA position 646, G replaced by A.
Protein change: p.Ala216Thr; replaces alanine 216 with threonine.
Molecular consequence: missense variant.
Genome position (GRCh38, 1-based): chr10:17,233,608, G>A. VCF-style: chr10-17233608-G-A. GRCh37 (hg19) VCF-style: chr10-17275607-G-A.
Other names: short protein forms A216T.
Identifiers: ClinVar variation 3047409 (VCV003047409.3), dbSNP rs138235394, ClinGen allele CA5426520.
Genomic context (GRCh38, chr10:17,233,608, plus strand): 5'-TACATCCTCCATGTCCTGTCTTTTCTCTGTTCAAAATAGGATGTTGACAATGCGTCTCTG[G>A]CACGTCTTGACCTTGAACGCAAAGTGGAATCTTTGCAAGAAGAGATTGCCTTTTTGAAGA-3'
Protein context (NP_003371.2, residues 206-226): FRQDVDNASL[Ala216Thr]RLDLERKVES

ClinVar aggregate classification (germline): Uncertain significance. Review status: criteria provided, single submitter (1 of 4 stars). 2 submissions from 2 submitters: Uncertain significance (1). 1 of the submissions does not count toward it. Last evaluated 2026-01-25.

Conditions:
Cataract 30 (CTRCT30). Also called: CATARACT 30, PULVERULENT. Identifiers: Orphanet 91492, Orphanet 98984, Orphanet 98992, MedGen C3805411, MONDO:0007286, OMIM 116300.
VIM-related disorder. Also called: VIM-related condition.

Allele frequency attached by ClinVar (database versions not stated): gnomAD 0.00016; 1000 Genomes Project 0.00020; ESP Exome Variant Server 0.00023; TOPMed 0.00023; gnomAD exomes 0.00002; ExAC 0.00006; 1000 Genomes Project 30x 0.00016.
gnomAD v4.1: 59 of 1,614,138 alleles (0.0037%); highest among the groups gnomAD compares: African/African-American, 0.076%; no homozygotes.

Submissions (2):

Labcorp Genetics (formerly Invitae), Labcorp
Classification: Uncertain significance for Cataract 30. Last evaluated: 2026-01-25. Review status: criteria provided, single submitter. Criteria: Invitae Variant Classification Sherloc (09022015). Collection method: clinical testing. Allele origin: germline.
Comment: This sequence change replaces alanine, which is neutral and non-polar, with threonine, which is neutral and polar, at codon 216 of the VIM protein (p.Ala216Thr). This variant is present in population databases (rs138235394, gnomAD 0.06%), and has an allele count higher than expected for a pathogenic variant. This variant has not been reported in the literature in individuals affected with VIM-related conditions. ClinVar contains an entry for this variant (Variation ID: 3047409). Invitae Evidence Modeling of protein sequence and biophysical properties (such as structural, functional, and spatial information, amino acid conservation, physicochemical variation, residue mobility, and thermodynamic stability) indicates that this missense variant is not expected to disrupt VIM protein function with a negative predictive value of 80%. In summary, the available evidence is currently insufficient to determine the role of this variant in disease. Therefore, it has been classified as a Variant of Uncertain Significance.

PreventionGenetics, part of Exact Sciences
Classification: Likely benign for VIM-related condition. Last evaluated: 2022-05-06. Review status: no assertion criteria provided. Collection method: clinical testing. Allele origin: germline. Not counted in ClinVar's aggregate classification.
Comment: This variant is classified as likely benign based on ACMG/AMP sequence variant interpretation guidelines (Richards et al. 2015 PMID: 25741868, with internal and published modifications).